The following is an entry in ClinVar:

NM_006031.6(PCNT):c.2249C>T (p.Thr750Met)

Gene: PCNT (pericentrin; plus strand). Cytogenetic location: 21q22.3.
Variant type: single nucleotide variant.
Coding change: c.2249C>T on transcript NM_006031.6 (MANE Select); coding-DNA position 2249, C replaced by T.
Protein change: p.Thr750Met; replaces threonine 750 with methionine.
Molecular consequence: missense variant.
Genome position (GRCh38, 1-based): chr21:46,363,574, C>T. VCF-style: chr21-46363574-C-T. GRCh37 (hg19) VCF-style: chr21-47783489-C-T.
Other names: c.1895C>T, p.Thr632Met (NM_001315529.2); short protein forms T632M, T750M.
Identifiers: ClinVar variation 4988552 (VCV004988552.1).

ClinVar aggregate classification (germline): Uncertain significance (1 of 4 stars; one submission).

Conditions:
PCNT-related disorder. Also called: PCNT-related condition.

gnomAD v4.1: 22 of 1,613,894 alleles (0.0014%); highest among the groups gnomAD compares: East Asian, 0.031%; no homozygotes.

Submission:

PreventionGenetics, part of Exact Sciences
Classification: Uncertain significance for PCNT-related condition. Last evaluated: 2025-02-05. Review status: criteria provided, single submitter. Criteria: ACMG Guidelines, 2015. Collection method: clinical testing. Allele origin: germline.
Comment: The PCNT c.2249C>T variant is predicted to result in the amino acid substitution p.Thr750Met. This variant has not been reported in the literature in association with PCNT-related disorders. This variant is reported in 0.075% of alleles in individuals of East Asian descent in gnomAD. At this time, the clinical significance of this variant is uncertain due to the absence of conclusive functional and genetic evidence.